The following is an entry in ClinVar:

ClinVar aggregate classification (germline): Conflicting classifications of pathogenicity. Review status: criteria provided, conflicting classifications (1 of 4 stars). 2 submissions from 2 submitters: Uncertain significance (1); Likely benign (1). Last evaluated 2022-04-15.

Allele frequency attached by ClinVar (database versions not stated): gnomAD 0.00001; ExAC 0.00002; gnomAD exomes 0.00002 and 0.00003; TOPMed 0.00002.

Submissions (2):

Labcorp Genetics (formerly Invitae), Labcorp
Classification: Uncertain significance. Last evaluated: 2022-04-15. Review status: criteria provided, single submitter. Criteria: Invitae Variant Classification Sherloc (09022015). Collection method: clinical testing. Allele origin: germline.
Comment: This sequence change falls in intron 4 of the TYMP gene. It does not directly change the encoded amino acid sequence of the TYMP protein. This variant is present in population databases (rs759173369, gnomAD 0.006%). This variant has not been reported in the literature in individuals affected with TYMP-related conditions. ClinVar contains an entry for this variant (Variation ID: 515450). Algorithms developed to predict the effect of sequence changes on RNA splicing suggest that this variant may disrupt the consensus splice site. In summary, the available evidence is currently insufficient to determine the role of this variant in disease. Therefore, it has been classified as a Variant of Uncertain Significance.

GeneDx
Classification: Likely benign. Last evaluated: 2018-02-22. Review status: criteria provided, single submitter. Criteria: GeneDx Variant Classification (06012015). Collection method: clinical testing. Allele origin: germline. Affected: yes.
Comment: This variant is considered likely benign or benign based on one or more of the following criteria: it is a conservative change, it occurs at a poorly conserved position in the protein, it is predicted to be benign by multiple in silico algorithms, and/or has population frequency not consistent with disease.

NM_001953.5(TYMP):c.517-14G>A

Gene: TYMP (thymidine phosphorylase; minus strand). Cytogenetic location: 22q13.33.
Variant type: single nucleotide variant.
Coding change: c.517-14G>A on transcript NM_001953.5 (MANE Select); 14 bases into the intron before coding-DNA position 517, G replaced by A.
Molecular consequence: intron variant.
Genome position (GRCh38, 1-based): chr22:50,527,731, C>T on the plus strand (G>A on the coding strand, the complement: TYMP is on the minus strand). VCF-style: chr22-50527731-C-T. GRCh37 (hg19) VCF-style: chr22-50966160-C-T.
Other names: c.517-14G>A (LRG_727t1, LRG_727t2, NM_001257989.1 and 3 more transcripts).
Identifiers: ClinVar variation 515450 (VCV000515450.3), dbSNP rs759173369, ClinGen allele CA10321705.